The following is an entry in ClinVar:

NM_000051.4(ATM):c.4805T>G (p.Val1602Gly)

Gene: ATM (ATM serine/threonine kinase; plus strand). Cytogenetic location: 11q22.3.
Variant type: single nucleotide variant.
Coding change: c.4805T>G on transcript NM_000051.4 (MANE Select); coding-DNA position 4805, T replaced by G.
Protein change: p.Val1602Gly; replaces valine 1602 with glycine.
Molecular consequence: missense variant.
Genome position (GRCh38, 1-based): chr11:108,294,955, T>G. VCF-style: chr11-108294955-T-G. GRCh37 (hg19) VCF-style: chr11-108165682-T-G.
Other names: c.4805T>G, p.Val1602Gly (NM_001351834.2); short protein forms V1602G.
Identifiers: ClinVar variation 2587790 (VCV002587790.2), dbSNP rs2135834442, ClinGen allele CA382536494.

ClinVar aggregate classification (germline): Uncertain significance (1 of 4 stars; one submission).

Conditions:
Hereditary cancer-predisposing syndrome. Also called: Tumor predisposition; Hereditary Cancer Syndrome; Hereditary neoplastic syndrome; Neoplastic Syndromes, Hereditary. Identifiers: Orphanet 140162, MedGen C0027672, MeSH D009386, MONDO:0015356.

Submission:

Ambry Genetics
Classification: Uncertain significance for Hereditary cancer-predisposing syndrome. Last evaluated: 2023-08-01. Review status: criteria provided, single submitter. Criteria: Ambry Variant Classification Scheme 2023. Collection method: clinical testing. Allele origin: germline.
Comment: The p.V1602G variant (also known as c.4805T>G), located in coding exon 31 of the ATM gene, results from a T to G substitution at nucleotide position 4805. The valine at codon 1602 is replaced by glycine, an amino acid with dissimilar properties. This amino acid position is conserved. In addition, this alteration is predicted to be tolerated by in silico analysis. Since supporting evidence is limited at this time, the clinical significance of this alteration remains unclear.